The following is an entry in ClinVar:

ClinVar aggregate classification (germline): Uncertain significance (1 of 4 stars; one submission).

Conditions:
Charcot-Marie-Tooth disease type 4. Also called: Charcot-Marie-Tooth, Type 4; Charcot-Marie-Tooth disease, type IV. Identifiers: Orphanet 64749, MedGen C4082197, MONDO:0018995.

Submission:

Labcorp Genetics (formerly Invitae), Labcorp
Classification: Uncertain significance for Charcot-Marie-Tooth disease type 4. Last evaluated: 2025-11-03. Review status: criteria provided, single submitter. Criteria: Invitae Variant Classification Sherloc (09022015). Collection method: clinical testing. Allele origin: germline.
Comment: This sequence change replaces glutamic acid, which is acidic and polar, with lysine, which is basic and polar, at codon 1429 of the PRX protein (p.Glu1429Lys). This variant is not present in population databases (gnomAD no frequency). This variant has not been reported in the literature in individuals affected with PRX-related conditions. ClinVar contains an entry for this variant (Variation ID: 1372556). Invitae Evidence Modeling of protein sequence and biophysical properties (such as structural, functional, and spatial information, amino acid conservation, physicochemical variation, residue mobility, and thermodynamic stability) indicates that this missense variant is not expected to disrupt PRX protein function with a negative predictive value of 80%. In summary, the available evidence is currently insufficient to determine the role of this variant in disease. Therefore, it has been classified as a Variant of Uncertain Significance.

NM_181882.3(PRX):c.4285G>A (p.Glu1429Lys)

Gene: PRX (periaxin; minus strand). Cytogenetic location: 19q13.2.
Variant type: single nucleotide variant.
Coding change: c.4285G>A on transcript NM_181882.3 (MANE Select); coding-DNA position 4285, G replaced by A.
Protein change: p.Glu1429Lys; replaces glutamic acid 1429 with lysine.
Molecular consequence: missense variant. On other transcripts: 3 prime UTR variant (1).
Genome position (GRCh38, 1-based): chr19:40,394,067, C>T on the plus strand (G>A on the coding strand, the complement: PRX is on the minus strand). VCF-style: chr19-40394067-C-T. GRCh37 (hg19) VCF-style: chr19-40899974-C-T.
Other names: c.*4490G>A (NM_020956.2); short protein forms E1429K.
Identifiers: ClinVar variation 1372556 (VCV001372556.6), dbSNP rs2145724616, ClinGen allele CA405889895.